The following is an entry in ClinVar:

NM_182760.4(SUMF1):c.955-2A>G

Gene: SUMF1 (sulfatase modifying factor 1; minus strand). Cytogenetic location: 3p26.1.
Variant type: single nucleotide variant.
Coding change: c.955-2A>G on transcript NM_182760.4 (MANE Select); the canonical splice acceptor site of the intron before coding-DNA position 955, A replaced by G.
Molecular consequence: splice acceptor variant. On other transcripts: intron variant (1).
Genome position (GRCh38, 1-based): chr3:4,376,391, T>C on the plus strand (A>G on the coding strand, the complement: SUMF1 is on the minus strand). VCF-style: chr3-4376391-T-C. GRCh37 (hg19) VCF-style: chr3-4418075-T-C.
Other names: c.955-2A>G (NM_182760.3); c.880-2A>G (NM_001164674.2); c.955-14137A>G (NM_001164675.2).
Identifiers: ClinVar variation 2183522 (VCV002183522.7), dbSNP rs1349733778, ClinGen allele CA351628416.

ClinVar aggregate classification (germline): Likely pathogenic. Review status: criteria provided, multiple submitters, no conflicts (2 of 4 stars). 3 submissions from 3 submitters: Likely pathogenic (2). 1 of the submissions does not count toward it. Last evaluated 2026-01-20.

Conditions:
Multiple sulfatase deficiency (MSD). Also called: Multiple Sulfatase Deficiency Disease; Sulfatidosis, Juvenile, Austin Type; Mucosulfatidosis. Identifiers: Orphanet 585, MedGen C0268263, MONDO:0010088, OMIM 272200.
SUMF1-related disorder. Also called: SUMF1-related condition.

Allele frequency attached by ClinVar (database versions not stated): gnomAD exomes below 0.00001.
gnomAD v4.1: 1 of 1,614,152 alleles (0.000062%); highest among the groups gnomAD compares: Admixed American, 0.0017%; no homozygotes.

Submissions (3):

Natera, Inc.
Classification: Likely pathogenic for Multiple sulfatase deficiency. Last evaluated: 2026-01-20. Review status: criteria provided, single submitter. Criteria: Natera Variant Classification Schema (03/2026). Collection method: clinical testing. Allele origin: germline.
Comment: The c.955-2A>G variant in SUMF1 is a canonical splice acceptor site variant predicted to affect pre-mRNA splicing, which may result in an abnormal transcript and altered protein product. This variant is expected to result in nonsense mediated decay, truncation, or a dysfunctional protein product. This variant is rare in the general population with a frequency below the threshold expected for the associated phenotype(s). Given the available evidence, this variant is classified as Likely Pathogenic.

Labcorp Genetics (formerly Invitae), Labcorp
Classification: Likely pathogenic for Multiple sulfatase deficiency. Last evaluated: 2024-02-05. Review status: criteria provided, single submitter. Criteria: Invitae Variant Classification Sherloc (09022015). Collection method: clinical testing. Allele origin: germline.
Comment: This sequence change affects an acceptor splice site in intron 7 of the SUMF1 gene. It is expected to disrupt RNA splicing. Variants that disrupt the donor or acceptor splice site typically lead to a loss of protein function (PMID: 16199547), and loss-of-function variants in SUMF1 are known to be pathogenic (PMID: 12757705, 12757706, 25885655). This variant is present in population databases (no rsID available, gnomAD 0.006%). This variant has not been reported in the literature in individuals affected with SUMF1-related conditions. ClinVar contains an entry for this variant (Variation ID: 2183522). Algorithms developed to predict the effect of sequence changes on RNA splicing suggest that this variant may disrupt the consensus splice site. In summary, the currently available evidence indicates that the variant is pathogenic, but additional data are needed to prove that conclusively. Therefore, this variant has been classified as Likely Pathogenic.

PreventionGenetics, part of Exact Sciences
Classification: Likely pathogenic for SUMF1-related condition. Last evaluated: 2023-12-05. Review status: no assertion criteria provided. Collection method: clinical testing. Allele origin: germline. Not counted in ClinVar's aggregate classification.
Comment: The SUMF1 c.955-2A>G variant is predicted to disrupt the AG splice acceptor site and interfere with normal splicing. To our knowledge, this variant has not been reported in the literature in patients affected with SUMF1-related disorders. This variant is reported in 0.0058% of alleles in individuals of Latino descent in gnomAD. This variant is classified as likely pathogenic in ClinVar. Variants that disrupt the consensus splice acceptor site in SUMF1 are expected to be pathogenic. This variant is interpreted as likely pathogenic.

Literature cited by the submitters: PubMed 16199547 (cited by Labcorp Genetics (formerly Invitae), Labcorp); PubMed 12757705 (cited by Labcorp Genetics (formerly Invitae), Labcorp); PubMed 12757706 (cited by Labcorp Genetics (formerly Invitae), Labcorp); PubMed 25885655 (cited by Labcorp Genetics (formerly Invitae), Labcorp).